The following is an entry in ClinVar:

NM_182961.4(SYNE1):c.9484C>T (p.His3162Tyr)

Gene: SYNE1 (spectrin repeat containing nuclear envelope protein 1; minus strand). Cytogenetic location: 6q25.2.
Variant type: single nucleotide variant.
Coding change: c.9484C>T on transcript NM_182961.4 (MANE Select); coding-DNA position 9484, C replaced by T.
Protein change: p.His3162Tyr; replaces histidine 3162 with tyrosine.
Molecular consequence: missense variant.
Genome position (GRCh38, 1-based): chr6:152,373,060, G>A on the plus strand (C>T on the coding strand, the complement: SYNE1 is on the minus strand). VCF-style: chr6-152373060-G-A. GRCh37 (hg19) VCF-style: chr6-152694195-G-A.
Other names: c.9505C>T, p.His3169Tyr (NM_033071.5); short protein forms H3162Y, H3169Y.
Identifiers: ClinVar variation 1909864 (VCV001909864.5), dbSNP rs1201355219, ClinGen allele CA366139727.

ClinVar aggregate classification (germline): Uncertain significance (1 of 4 stars; one submission).

Conditions:
Emery-Dreifuss muscular dystrophy 4, autosomal dominant (EDMD4). Also called: EMERY-DREIFUSS MUSCULAR DYSTROPHY 4 WITH VARIABLE FEATURES. Identifiers: Orphanet 261, MedGen C2751807, MONDO:0013071, OMIM 612998.
Autosomal recessive ataxia, Beauce type. Also called: SYNE1-Related Autosomal Recessive Cerebellar Ataxia; SYNE1 Deficiency; Spinocerebellar ataxia, autosomal recessive 8; ATAXIA, RECESSIVE, OF BEAUCE. Identifiers: Orphanet 88644, MedGen C1853116, MONDO:0012549, OMIM 610743.

Allele frequency attached by ClinVar (database versions not stated): gnomAD exomes 0.00001.
gnomAD v4.1: 3 of 1,614,088 alleles (0.00019%); highest among the groups gnomAD compares: Admixed American, 0.0017%; no homozygotes.

Submission:

Labcorp Genetics (formerly Invitae), Labcorp
Classification: Uncertain significance for Emery-Dreifuss muscular dystrophy 4, autosomal dominant; Autosomal recessive ataxia, Beauce type. Last evaluated: 2022-03-13. Review status: criteria provided, single submitter. Criteria: Invitae Variant Classification Sherloc (09022015). Collection method: clinical testing. Allele origin: germline.
Comment: This sequence change replaces histidine, which is basic and polar, with tyrosine, which is neutral and polar, at codon 3169 of the SYNE1 protein (p.His3169Tyr). In summary, the available evidence is currently insufficient to determine the role of this variant in disease. Therefore, it has been classified as a Variant of Uncertain Significance. Algorithms developed to predict the effect of missense changes on protein structure and function are either unavailable or do not agree on the potential impact of this missense change (SIFT: "Tolerated"; PolyPhen-2: "Possibly Damaging"; Align-GVGD: "Class C0"). This variant has not been reported in the literature in individuals affected with SYNE1-related conditions. This variant is present in population databases (no rsID available, gnomAD 0.007%).